The following is an entry in ClinVar:

ClinVar aggregate classification (germline): Likely benign. Review status: criteria provided, multiple submitters, no conflicts (2 of 4 stars). 4 submissions from 4 submitters: Likely benign (4). Last evaluated 2026-01-21.

Conditions:
Age related macular degeneration 9. Identifiers: MedGen C1969651, MONDO:0012659, OMIM 611378.
Complement component 3 deficiency. Identifiers: Orphanet 280133, MedGen C3151071, MONDO:0013417, OMIM 613779.
Atypical hemolytic-uremic syndrome with C3 anomaly. Also called: AHUS, SUSCEPTIBILITY TO, 5. Identifiers: Orphanet 2134, MedGen C2752037, MONDO:0013043, OMIM 612925.

Allele frequency attached by ClinVar (database versions not stated): 1000 Genomes Project 0.00040; gnomAD exomes 0.00040 and 0.00023; ExAC 0.00041; ESP Exome Variant Server 0.00046; 1000 Genomes Project 30x 0.00047; gnomAD 0.00055; TOPMed 0.00060.
gnomAD v4.1: 422 of 1,613,650 alleles (0.026%); highest among the groups gnomAD compares: Admixed American, 0.19%; no homozygotes.

Submissions (4):

Labcorp Genetics (formerly Invitae), Labcorp
Classification: Likely benign. Last evaluated: 2026-01-21. Review status: criteria provided, single submitter. Criteria: Invitae Variant Classification Sherloc (09022015). Collection method: clinical testing. Allele origin: germline.

Mayo Clinic Laboratories, Mayo Clinic
Classification: Likely benign. Last evaluated: 2025-11-11. Review status: criteria provided, single submitter. Criteria: ACMG Guidelines, 2015. Collection method: clinical testing. Allele origin: germline. Observed: 3 variant alleles.
Comment: BP4, BP7

Blueprint Genetics
Classification: Likely benign. Last evaluated: 2024-11-11. Review status: criteria provided, single submitter. Criteria: ACMG Guidelines, 2015. Collection method: clinical testing. Allele origin: germline.

Fulgent Genetics
Classification: Likely benign for Age related macular degeneration 9; Atypical hemolytic-uremic syndrome with C3 anomaly; Complement component 3 deficiency. Last evaluated: 2022-04-19. Review status: criteria provided, single submitter. Criteria: ACMG Guidelines, 2015. Collection method: clinical testing. Allele origin: unknown.

Literature cited by the submitters: PubMed 29500241 (cited by Mayo Clinic Laboratories, Mayo Clinic).

NM_000064.4(C3):c.2190C>T (p.Tyr730=)

Gene: C3 (complement C3; minus strand). Cytogenetic location: 19p13.3.
Variant type: single nucleotide variant.
Coding change: c.2190C>T on transcript NM_000064.4 (MANE Select); coding-DNA position 2190, C replaced by T.
Protein change: p.Tyr730=; no amino-acid change (tyrosine 730 retained).
Molecular consequence: synonymous variant.
Genome position (GRCh38, 1-based): chr19:6,707,131, G>A on the plus strand (C>T on the coding strand, the complement: C3 is on the minus strand). VCF-style: chr19-6707131-G-A. GRCh37 (hg19) VCF-style: chr19-6707142-G-A.
Other names: p.Tyr730=.
Identifiers: ClinVar variation 722865 (VCV000722865.13), dbSNP rs142455019, ClinGen allele CA9129173.
Genomic context (GRCh38, chr19:6,707,131, plus strand): 5'-CCTACTCCTGGCCAGGCCCAGGTGGCTGGCCCGCGCGTGCTGCCGCCGCAGCTCTGTGAT[G>A]TAGTTGCAGCAGTCCAGGAAGACCTTCTTGCACGCCTCGCCCAGGGAGATGAAACGGGTC-3'
Protein context (NP_000055.2, residues 720-740): CKKVFLDCCN[Tyr730=]ITELRRQHAR